The following is an entry in ClinVar:

ClinVar aggregate classification (germline): Likely pathogenic (1 of 4 stars; one submission).

Conditions:
Cone-rod dystrophy 2 (CORD2). Also called: CONE-ROD RETINAL DYSTROPHY; Cone-rod retinal dystrophy 2. Identifiers: Orphanet 1872, MedGen C3489532, MONDO:0007362, OMIM 120970.
Leber congenital amaurosis 7 (LCA7). Identifiers: Orphanet 65, MedGen C3151192, MONDO:0013449, OMIM 613829.

Submission:

Labcorp Genetics (formerly Invitae), Labcorp
Classification: Likely pathogenic for Cone-rod dystrophy 2; Leber congenital amaurosis 7. Last evaluated: 2022-04-04. Review status: criteria provided, single submitter. Criteria: Invitae Variant Classification Sherloc (09022015). Collection method: clinical testing. Allele origin: germline.
Comment: In summary, the currently available evidence indicates that the variant is pathogenic, but additional data are needed to prove that conclusively. Therefore, this variant has been classified as Likely Pathogenic. This premature translational stop signal has been observed in individuals with autosomal dominant CRX-related conditions (PMID: 29555955, 29641573, 31630094; Invitae). This variant is not present in population databases (gnomAD no frequency). This sequence change creates a premature translational stop signal (p.Tyr221*) in the CRX gene. While this is not anticipated to result in nonsense mediated decay, it is expected to disrupt the last 79 amino acid(s) of the CRX protein.

Literature cited by the submitters: PubMed 29555955; PubMed 29641573; PubMed 31630094.

NM_000554.6(CRX):c.663C>G (p.Tyr221Ter)

Gene: CRX (cone-rod homeobox; plus strand). Cytogenetic location: 19q13.33.
Variant type: single nucleotide variant.
Coding change: c.663C>G on transcript NM_000554.6 (MANE Select); coding-DNA position 663, C replaced by G.
Protein change: p.Tyr221Ter; replaces tyrosine 221 with a stop codon.
Molecular consequence: nonsense.
Genome position (GRCh38, 1-based): chr19:47,839,730, C>G. VCF-style: chr19-47839730-C-G. GRCh37 (hg19) VCF-style: chr19-48342987-C-G.
Other names: short protein forms Y221*.
Identifiers: ClinVar variation 2152320 (VCV002152320.4), dbSNP rs1064797247, ClinGen allele CA406631473.